The following is an entry in ClinVar:

NM_020247.5(COQ8A):c.1339C>G (p.Leu447Val)

Gene: COQ8A (coenzyme Q8A; plus strand). Cytogenetic location: 1q42.13.
Variant type: single nucleotide variant.
Coding change: c.1339C>G on transcript NM_020247.5 (MANE Select); coding-DNA position 1339, C replaced by G.
Protein change: p.Leu447Val; replaces leucine 447 with valine.
Molecular consequence: missense variant.
Genome position (GRCh38, 1-based): chr1:226,984,176, C>G. VCF-style: chr1-226984176-C-G. GRCh37 (hg19) VCF-style: chr1-227171877-C-G.
Other names: short protein forms L447V.
Identifiers: ClinVar variation 1983478 (VCV001983478.5), dbSNP rs866648731, ClinGen allele CA38651976.

ClinVar aggregate classification (germline): Uncertain significance. Review status: criteria provided, multiple submitters, no conflicts (2 of 4 stars). 2 submissions from 2 submitters: Uncertain significance (2). Last evaluated 2023-06-30.

Conditions:
Inborn genetic diseases. Identifiers: MedGen C0950123, MeSH D030342.

gnomAD v4.1: 1 of 1,613,878 alleles (0.000062%); highest among the groups gnomAD compares: African/African-American, 0.0013%; no homozygotes.

Submissions (2):

Labcorp Genetics (formerly Invitae), Labcorp
Classification: Uncertain significance. Last evaluated: 2023-06-30. Review status: criteria provided, single submitter. Criteria: Invitae Variant Classification Sherloc (09022015). Collection method: clinical testing. Allele origin: germline.
Comment: This sequence change replaces leucine, which is neutral and non-polar, with valine, which is neutral and non-polar, at codon 447 of the COQ8A protein (p.Leu447Val). This variant is not present in population databases (gnomAD no frequency). This variant has not been reported in the literature in individuals affected with COQ8A-related conditions. ClinVar contains an entry for this variant (Variation ID: 1983478). Advanced modeling of protein sequence and biophysical properties (such as structural, functional, and spatial information, amino acid conservation, physicochemical variation, residue mobility, and thermodynamic stability) has been performed at Invitae for this missense variant, however the output from this modeling did not meet the statistical confidence thresholds required to predict the impact of this variant on COQ8A protein function. In summary, the available evidence is currently insufficient to determine the role of this variant in disease. Therefore, it has been classified as a Variant of Uncertain Significance.

Ambry Genetics
Classification: Uncertain significance for Inborn genetic diseases. Last evaluated: 2022-02-15. Review status: criteria provided, single submitter. Criteria: Ambry Variant Classification Scheme 2023. Collection method: clinical testing. Allele origin: germline.